The following is an entry in ClinVar:

NM_000962.4(PTGS1):c.211C>T (p.Pro71Ser)

Gene: PTGS1 (prostaglandin-endoperoxide synthase 1; plus strand). Cytogenetic location: 9q33.2.
Variant type: single nucleotide variant.
Coding change: c.211C>T on transcript NM_000962.4 (MANE Select); coding-DNA position 211, C replaced by T.
Protein change: p.Pro71Ser; replaces proline 71 with serine.
Molecular consequence: missense variant. On other transcripts: 5 prime UTR variant (3).
Genome position (GRCh38, 1-based): chr9:122,378,015, C>T. VCF-style: chr9-122378015-C-T. GRCh37 (hg19) VCF-style: chr9-125140294-C-T.
Other names: p.?; p.Pro71Ser; c.211C>T, p.Pro71Ser (NM_001271164.2, NM_080591.3); c.-117C>T (NM_001271165.2, NM_001271166.2, NM_001271367.2); c.136C>T, p.Pro46Ser (NM_001271368.2); short protein forms P46S, P71S.
Identifiers: ClinVar variation 3379894 (VCV003379894.2).

ClinVar aggregate classification (germline): Uncertain significance (1 of 4 stars; one submission).

Submission:

Mayo Clinic Laboratories, Mayo Clinic
Classification: Uncertain significance. Last evaluated: 2025-11-05. Review status: criteria provided, single submitter. Criteria: ACMG Guidelines, 2015. Collection method: clinical testing. Allele origin: germline. Observed: 3 variant alleles.
Comment: BS1_supporting, BS2_supporting